The following is an entry in ClinVar:

ClinVar aggregate classification (germline): Uncertain significance (1 of 4 stars; one submission).

Allele frequency attached by ClinVar (database versions not stated): gnomAD exomes below 0.00001; TOPMed below 0.00001.
gnomAD v4.1: 1 of 1,613,672 alleles (0.000062%); highest among the groups gnomAD compares: Non-Finnish European, 0.000085%; no homozygotes.

Submission:

Labcorp Genetics (formerly Invitae), Labcorp
Classification: Uncertain significance. Last evaluated: 2024-04-17. Review status: criteria provided, single submitter. Criteria: Invitae Variant Classification Sherloc (09022015). Collection method: clinical testing. Allele origin: germline.
Comment: This sequence change replaces valine, which is neutral and non-polar, with isoleucine, which is neutral and non-polar, at codon 179 of the CNGB1 protein (p.Val179Ile). This variant is not present in population databases (gnomAD no frequency). This variant has not been reported in the literature in individuals affected with CNGB1-related conditions. ClinVar contains an entry for this variant (Variation ID: 839074). An algorithm developed to predict the effect of missense changes on protein structure and function (PolyPhen-2) suggests that this variant is likely to be tolerated. In summary, the available evidence is currently insufficient to determine the role of this variant in disease. Therefore, it has been classified as a Variant of Uncertain Significance.

NM_001297.5(CNGB1):c.535G>A (p.Val179Ile)

Gene: CNGB1 (cyclic nucleotide gated channel subunit beta 1; minus strand). Cytogenetic location: 16q21.
Variant type: single nucleotide variant.
Coding change: c.535G>A on transcript NM_001297.5 (MANE Select); coding-DNA position 535, G replaced by A.
Protein change: p.Val179Ile; replaces valine 179 with isoleucine.
Molecular consequence: missense variant.
Genome position (GRCh38, 1-based): chr16:57,960,530, C>T on the plus strand (G>A on the coding strand, the complement: CNGB1 is on the minus strand). VCF-style: chr16-57960530-C-T. GRCh37 (hg19) VCF-style: chr16-57994434-C-T.
Other names: c.535G>A, p.Val179Ile (NM_001135639.2, NM_001286130.2); short protein forms V179I.
Identifiers: ClinVar variation 839074 (VCV000839074.9), dbSNP rs1962220763, ClinGen allele CA396078191.
Genomic context (GRCh38, chr16:57,960,530, plus strand): 5'-CCCTCCCTGTACCTGGGTCTGAGGCAGCACCTGTAGCAACTGCAGGCTCATCTCTCCAGA[C>T]CTGGGTGACAAACAGGGCGCAAGGTCATGGGCCATAGCAAGCTCTGTGCGCTTCCCCAAC-3'
Protein context (NP_001288.3, residues 169-189): VLPQPPKSSE[Val179Ile]WRDEPAVATG